The following is an entry in ClinVar:

ClinVar aggregate classification (germline): Uncertain significance. Review status: criteria provided, multiple submitters, no conflicts (2 of 4 stars). 2 submissions from 2 submitters: Uncertain significance (2). Last evaluated 2025-04-01.

Conditions:
Multiple gastrointestinal atresias. Also called: Multiple intestinal atresia; FAMILIAL INTESTINAL POLYATRESIA SYNDROME. Identifiers: Orphanet 2300, MedGen C0220744, MONDO:0009465.
Inborn genetic diseases. Identifiers: MedGen C0950123, MeSH D030342.

Allele frequency attached by ClinVar (database versions not stated): TOPMed 0.00004; ExAC 0.00005; gnomAD exomes 0.00002 and 0.00003; gnomAD 0.00002.
gnomAD v4.1: 33 of 1,611,348 alleles (0.002%); highest among the groups gnomAD compares: South Asian, 0.012%; no homozygotes.

Submissions (2):

Ambry Genetics
Classification: Uncertain significance for Inborn genetic diseases. Last evaluated: 2025-04-01. Review status: criteria provided, single submitter. Criteria: Ambry Variant Classification Scheme 2023. Collection method: clinical testing. Allele origin: germline.

Labcorp Genetics (formerly Invitae), Labcorp
Classification: Uncertain significance for Multiple gastrointestinal atresias. Last evaluated: 2024-12-31. Review status: criteria provided, single submitter. Criteria: Invitae Variant Classification Sherloc (09022015). Collection method: clinical testing. Allele origin: germline.
Comment: This sequence change replaces alanine, which is neutral and non-polar, with valine, which is neutral and non-polar, at codon 283 of the TTC7A protein (p.Ala283Val). This variant is present in population databases (rs752828560, gnomAD 0.01%). This variant has not been reported in the literature in individuals affected with TTC7A-related conditions. ClinVar contains an entry for this variant (Variation ID: 1451116). Invitae Evidence Modeling of protein sequence and biophysical properties (such as structural, functional, and spatial information, amino acid conservation, physicochemical variation, residue mobility, and thermodynamic stability) indicates that this missense variant is not expected to disrupt TTC7A protein function with a negative predictive value of 80%. In summary, the available evidence is currently insufficient to determine the role of this variant in disease. Therefore, it has been classified as a Variant of Uncertain Significance.

NM_020458.4(TTC7A):c.848C>T (p.Ala283Val)

Gene: TTC7A (tetratricopeptide repeat domain 7A; plus strand). Cytogenetic location: 2p21.
Variant type: single nucleotide variant.
Coding change: c.848C>T on transcript NM_020458.4 (MANE Select); coding-DNA position 848, C replaced by T.
Protein change: p.Ala283Val; replaces alanine 283 with valine.
Molecular consequence: missense variant. On other transcripts: intron variant (1).
Genome position (GRCh38, 1-based): chr2:46,994,361, C>T. VCF-style: chr2-46994361-C-T. GRCh37 (hg19) VCF-style: chr2-47221500-C-T.
Other names: c.848C>T, p.Ala283Val (NM_001288951.2); c.746C>T, p.Ala249Val (NM_001288953.2); c.-61-775C>T (NM_001288955.2); c.848C>T (NM_020458.2); short protein forms A283V, A249V.
Identifiers: ClinVar variation 1451116 (VCV001451116.7), dbSNP rs752828560, ClinGen allele CA1647391.